The following is an entry in ClinVar:

NM_007294.4(BRCA1):c.2170C>T (p.Pro724Ser)

Gene: BRCA1 (BRCA1 DNA repair associated; minus strand). Cytogenetic location: 17q21.31.
Variant type: single nucleotide variant.
Coding change: c.2170C>T on transcript NM_007294.4 (MANE Select); coding-DNA position 2170, C replaced by T.
Protein change: p.Pro724Ser; replaces proline 724 with serine.
Molecular consequence: missense variant. On other transcripts: intron variant (137).
Genome position (GRCh38, 1-based): chr17:43,093,361, G>A on the plus strand (C>T on the coding strand, the complement: BRCA1 is on the minus strand). VCF-style: chr17-43093361-G-A. GRCh37 (hg19) VCF-style: chr17-41245378-G-A.
Other names: c.1957C>T, p.Pro653Ser (NM_001407571.1, NM_001407853.1, NM_001407894.1 and 9 more transcripts); c.2170C>T, p.Pro724Ser (NM_001407581.1, NM_001407582.1, NM_001407583.1 and 30 more transcripts); c.2167C>T, p.Pro723Ser (NM_001407587.1, NM_001407590.1, NM_001407591.1 and 22 more transcripts); c.2161C>T, p.Pro721Ser (NM_001407646.1, NM_001407647.1); c.2047C>T, p.Pro683Ser (NM_001407648.1, NM_001407664.1, NM_001407665.1 and 19 more transcripts); c.2044C>T, p.Pro682Ser (NM_001407649.1, NM_001407670.1, NM_001407671.1 and 11 more transcripts); c.2092C>T, p.Pro698Ser (NM_001407653.1, NM_001407654.1, NM_001407655.1 and 4 more transcripts); c.2089C>T, p.Pro697Ser (NM_001407659.1, NM_001407660.1, NM_001407661.1 and 1 more transcripts); and 41 more; short protein forms P724S, P677S, P612S, P635S, P656S, P698S, P721S, P723S.
Identifiers: ClinVar variation 1364297 (VCV001364297.12), dbSNP rs2154395681, ClinGen allele CA10597662.

ClinVar aggregate classification (germline): Conflicting classifications of pathogenicity. Review status: criteria provided, conflicting classifications (1 of 4 stars). 3 submissions from 3 submitters: Uncertain significance (2); Likely benign (1). Last evaluated 2024-08-09.

Conditions:
Hereditary cancer-predisposing syndrome. Also called: Neoplastic Syndromes, Hereditary; Tumor predisposition; Hereditary neoplastic syndrome; Hereditary Cancer Syndrome. Identifiers: Orphanet 140162, MedGen C0027672, MeSH D009386, MONDO:0015356.
Hereditary breast ovarian cancer syndrome. Also called: Hereditary breast and ovarian cancer; Hereditary breast and/or ovarian cancer syndrome; BRCA1- and BRCA2-Associated Hereditary Breast and Ovarian Cancer; Hereditary breast and ovarian cancer syndrome; Hereditary breast and ovarian cancer syndrome (HBOC); Breast and ovarian cancer. Identifiers: Orphanet 145, MedGen C0677776, MeSH D061325, MONDO:0003582. Disease mechanism: loss of function.

Submissions (3):

Ambry Genetics
Classification: Uncertain significance for Hereditary cancer-predisposing syndrome. Last evaluated: 2024-08-09. Review status: criteria provided, single submitter. Criteria: Ambry Variant Classification Scheme 2023. Collection method: clinical testing. Allele origin: germline.
Comment: The p.P724S variant (also known as c.2170C>T), located in coding exon 9 of the BRCA1 gene, results from a C to T substitution at nucleotide position 2170. The proline at codon 724 is replaced by serine, an amino acid with similar properties. This amino acid position is not well conserved in available vertebrate species. In addition, the in silico prediction for this alteration is inconclusive. Based on the available evidence, the clinical significance of this variant remains unclear.

Labcorp Genetics (formerly Invitae), Labcorp
Classification: Uncertain significance for Hereditary breast ovarian cancer syndrome. Last evaluated: 2024-06-17. Review status: criteria provided, single submitter. Criteria: Invitae Variant Classification Sherloc (09022015). Collection method: clinical testing. Allele origin: germline.
Comment: This sequence change replaces proline, which is neutral and non-polar, with serine, which is neutral and polar, at codon 724 of the BRCA1 protein (p.Pro724Ser). This variant is not present in population databases (gnomAD no frequency). This variant has not been reported in the literature in individuals affected with BRCA1-related conditions. ClinVar contains an entry for this variant (Variation ID: 1364297). Advanced modeling of protein sequence and biophysical properties (such as structural, functional, and spatial information, amino acid conservation, physicochemical variation, residue mobility, and thermodynamic stability) performed at Invitae indicates that this missense variant is not expected to disrupt BRCA1 protein function with a negative predictive value of 95%. In summary, the available evidence is currently insufficient to determine the role of this variant in disease. Therefore, it has been classified as a Variant of Uncertain Significance.

University of Washington Department of Laboratory Medicine, University of Washington
Classification: Likely benign for Hereditary cancer-predisposing syndrome. Last evaluated: 2023-03-23. Review status: criteria provided, single submitter. Criteria: Dines et al. (Genet Med. 2020). Collection method: curation. Allele origin: germline.
Comment: Missense variant in a coldspot region where missense variants are very unlikely to be pathogenic (PMID:31911673).

BRCA1 coldspot (exon 11 using historical exon numbering). Reclassification based on statistical prior probability